The following is an entry in ClinVar:

NM_001378969.1(KCND3):c.382A>G (p.Ile128Val)

Gene: KCND3 (potassium voltage-gated channel subfamily D member 3; minus strand). Cytogenetic location: 1p13.2.
Variant type: single nucleotide variant.
Coding change: c.382A>G on transcript NM_001378969.1 (MANE Select); coding-DNA position 382, A replaced by G.
Protein change: p.Ile128Val; replaces isoleucine 128 with valine.
Molecular consequence: missense variant.
Genome position (GRCh38, 1-based): chr1:111,982,345, T>C on the plus strand (A>G on the coding strand, the complement: KCND3 is on the minus strand). VCF-style: chr1-111982345-T-C. GRCh37 (hg19) VCF-style: chr1-112524967-T-C.
Other names: c.382A>G, p.Ile128Val (NM_001378970.1, NM_004980.5, NM_172198.3); short protein forms I128V.
Identifiers: ClinVar variation 3862698 (VCV003862698.1).
Genomic context (GRCh38, chr1:111,982,345, plus strand): 5'-TGAGCCGCTCGGCGTTCTCCCTCTTGCGGTCCTTGTACTCCTCGTAGCAGCAGTCCCCGA[T>C]GATCTCCGGGAGGATGCCGTAGAAGGCCAGCTCGTCGTCGTAGGCAGAGATGCACTCGTA-3'
Protein context (NP_001365898.1, residues 118-138): LAFYGILPEI[Ile128Val]GDCCYEEYKD

ClinVar aggregate classification (germline): Uncertain significance (1 of 4 stars; one submission).

Conditions:
Cardiovascular phenotype. Identifiers: MedGen CN230736.

Submission:

Ambry Genetics
Classification: Uncertain significance for Cardiovascular phenotype. Last evaluated: 2024-12-29. Review status: criteria provided, single submitter. Criteria: Ambry Variant Classification Scheme 2023. Collection method: clinical testing. Allele origin: germline.
Comment: The p.I128V variant (also known as c.382A>G), located in coding exon 1 of the KCND3 gene, results from an A to G substitution at nucleotide position 382. The isoleucine at codon 128 is replaced by valine, an amino acid with highly similar properties. This amino acid position is conserved. In addition, this alteration is predicted to be tolerated by in silico analysis. Based on the available evidence, the clinical significance of this variant remains unclear.